The following is an entry in ClinVar:

ClinVar aggregate classification (germline): Uncertain significance (1 of 4 stars; one submission).

Conditions:
Neuroblastoma, susceptibility to, 3. Also called: ALK-Related Neuroblastic Tumor Susceptibility. Identifiers: Orphanet 635, MedGen C2751681, MONDO:0013083, OMIM 613014.

Submission:

Labcorp Genetics (formerly Invitae), Labcorp
Classification: Uncertain significance for Neuroblastoma, susceptibility to, 3. Last evaluated: 2019-09-26. Review status: criteria provided, single submitter. Criteria: Invitae Variant Classification Sherloc (09022015). Collection method: clinical testing. Allele origin: germline.
Comment: This sequence change replaces tyrosine with histidine at codon 1330 of the ALK protein (p.Tyr1330His). The tyrosine residue is highly conserved and there is a moderate physicochemical difference between tyrosine and histidine. This variant is not present in population databases (ExAC no frequency). In summary, the available evidence is currently insufficient to determine the role of this variant in disease. Therefore, it has been classified as a Variant of Uncertain Significance. Algorithms developed to predict the effect of missense changes on protein structure and function are either unavailable or do not agree on the potential impact of this missense change (SIFT: "Deleterious"; PolyPhen-2: "Probably Damaging"; Align-GVGD: "Class C0"). This variant has not been reported in the literature in individuals with ALK-related conditions.

NM_004304.5(ALK):c.3988T>C (p.Tyr1330His)

Gene: ALK (ALK receptor tyrosine kinase; minus strand). Cytogenetic location: 2p23.2.
Variant type: single nucleotide variant.
Coding change: c.3988T>C on transcript NM_004304.5 (MANE Select); coding-DNA position 3988, T replaced by C.
Protein change: p.Tyr1330His; replaces tyrosine 1330 with histidine.
Molecular consequence: missense variant.
Genome position (GRCh38, 1-based): chr2:29,197,627, A>G on the plus strand (T>C on the coding strand, the complement: ALK is on the minus strand). VCF-style: chr2-29197627-A-G. GRCh37 (hg19) VCF-style: chr2-29420493-A-G.
Other names: c.784T>C, p.Tyr262His (NM_001353765.2); short protein forms Y1330H, Y262H.
Identifiers: ClinVar variation 957636 (VCV000957636.9), dbSNP rs1669057104, ClinGen allele CA346466246.